The following is an entry in ClinVar:

NM_005419.4(STAT2):c.668G>T (p.Arg223Leu)

Gene: STAT2 (signal transducer and activator of transcription 2; minus strand). Cytogenetic location: 12q13.3.
Variant type: single nucleotide variant.
Coding change: c.668G>T on transcript NM_005419.4 (MANE Select); coding-DNA position 668, G replaced by T.
Protein change: p.Arg223Leu; replaces arginine 223 with leucine.
Molecular consequence: missense variant.
Genome position (GRCh38, 1-based): chr12:56,354,580, C>A on the plus strand (G>T on the coding strand, the complement: STAT2 is on the minus strand). VCF-style: chr12-56354580-C-A. GRCh37 (hg19) VCF-style: chr12-56748364-C-A.
Other names: c.656G>T, p.Arg219Leu (NM_001385110.1, NM_001385115.1, NM_198332.2); c.668G>T, p.Arg223Leu (NM_001385111.1, NM_001385113.1, NM_001385114.1); short protein forms R219L, R223L.
Identifiers: ClinVar variation 2714613 (VCV002714613.3), dbSNP rs867431348, ClinGen allele CA385262767.

ClinVar aggregate classification (germline): Uncertain significance (1 of 4 stars; one submission).

Conditions:
Primary immunodeficiency with post-measles-mumps-rubella vaccine viral infection. Also called: Immunodeficiency 44. Identifiers: Orphanet 431166, MedGen C4225260, MONDO:0014715, OMIM 616636.

gnomAD v4.1: 1 of 1,614,152 alleles (0.000062%); highest among the groups gnomAD compares: South Asian, 0.0011%; no homozygotes.

Submission:

Labcorp Genetics (formerly Invitae), Labcorp
Classification: Uncertain significance for Primary immunodeficiency with post-measles-mumps-rubella vaccine viral infection. Last evaluated: 2024-01-31. Review status: criteria provided, single submitter. Criteria: Invitae Variant Classification Sherloc (09022015). Collection method: clinical testing. Allele origin: germline.
Comment: This sequence change replaces arginine, which is basic and polar, with leucine, which is neutral and non-polar, at codon 223 of the STAT2 protein (p.Arg223Leu). This variant is not present in population databases (gnomAD no frequency). This variant has not been reported in the literature in individuals affected with STAT2-related conditions. Advanced modeling of protein sequence and biophysical properties (such as structural, functional, and spatial information, amino acid conservation, physicochemical variation, residue mobility, and thermodynamic stability) performed at Invitae indicates that this missense variant is not expected to disrupt STAT2 protein function with a negative predictive value of 80%. In summary, the available evidence is currently insufficient to determine the role of this variant in disease. Therefore, it has been classified as a Variant of Uncertain Significance.